The following is an entry in ClinVar:

ClinVar aggregate classification (germline): Uncertain significance. Review status: criteria provided, multiple submitters, no conflicts (2 of 4 stars). 2 submissions from 2 submitters: Uncertain significance (2). Last evaluated 2026-07-07.

Conditions:
Oligodontia-cancer predisposition syndrome. Also called: TOOTH AGENESIS-COLORECTAL CANCER SYNDROME. Identifiers: Orphanet 300576, MedGen C1837750, MONDO:0012075, OMIM 608615. Disease mechanism: loss of function.
Hereditary cancer-predisposing syndrome. Also called: Hereditary Cancer Syndrome; Hereditary neoplastic syndrome; Neoplastic Syndromes, Hereditary; Tumor predisposition. Identifiers: Orphanet 140162, MedGen C0027672, MeSH D009386, MONDO:0015356.

Submissions (2):

Ambry Genetics
Classification: Uncertain significance for Hereditary cancer-predisposing syndrome. Last evaluated: 2026-07-07. Review status: criteria provided, single submitter. Criteria: Ambry Variant Classification Scheme 2023. Collection method: clinical testing. Allele origin: germline.
Comment: The p.W111R variant (also known as c.331T>C), located in coding exon 1 of the AXIN2 gene, results from a T to C substitution at nucleotide position 331. The tryptophan at codon 111 is replaced by arginine, an amino acid with dissimilar properties. This amino acid position is conserved. In addition, this alteration is predicted to be deleterious by in silico analysis. Based on the available evidence, the clinical significance of this variant remains unclear.

Labcorp Genetics (formerly Invitae), Labcorp
Classification: Uncertain significance for Oligodontia-cancer predisposition syndrome. Last evaluated: 2025-08-25. Review status: criteria provided, single submitter. Criteria: Invitae Variant Classification Sherloc (09022015). Collection method: clinical testing. Allele origin: germline.
Comment: This sequence change replaces tryptophan, which is neutral and slightly polar, with arginine, which is basic and polar, at codon 111 of the AXIN2 protein (p.Trp111Arg). This variant is not present in population databases (gnomAD no frequency). This variant has not been reported in the literature in individuals affected with AXIN2-related conditions. Invitae Evidence Modeling of protein sequence and biophysical properties (such as structural, functional, and spatial information, amino acid conservation, physicochemical variation, residue mobility, and thermodynamic stability) indicates that this missense variant is expected to disrupt AXIN2 protein function with a positive predictive value of 80%. In summary, the available evidence is currently insufficient to determine the role of this variant in disease. Therefore, it has been classified as a Variant of Uncertain Significance.

NM_004655.4(AXIN2):c.331T>C (p.Trp111Arg)

Gene: AXIN2 (axin 2; minus strand). Cytogenetic location: 17q24.1.
Variant type: single nucleotide variant.
Coding change: c.331T>C on transcript NM_004655.4 (MANE Select); coding-DNA position 331, T replaced by C.
Protein change: p.Trp111Arg; replaces tryptophan 111 with arginine.
Molecular consequence: missense variant.
Genome position (GRCh38, 1-based): chr17:65,558,290, A>G on the plus strand (T>C on the coding strand, the complement: AXIN2 is on the minus strand). VCF-style: chr17-65558290-A-G. GRCh37 (hg19) VCF-style: chr17-63554408-A-G.
Other names: c.331T>C, p.Trp111Arg (NM_001363813.1); short protein forms W111R.
Identifiers: ClinVar variation 4743151 (VCV004743151.2).